The following is an entry in ClinVar:

ClinVar aggregate classification (germline): Benign/Likely benign. Review status: criteria provided, multiple submitters, no conflicts (2 of 4 stars). 2 submissions from 2 submitters: Benign (1); Likely benign (1). Last evaluated 2025-09-17.

Conditions:
Hereditary diffuse gastric adenocarcinoma (HDGC). Also called: DIFFUSE GASTRIC AND LOBULAR BREAST CANCER SYNDROME. Identifiers: Orphanet 26106, MedGen C1708349, MONDO:0007648, OMIM 137215.

Submissions (2):

Labcorp Genetics (formerly Invitae), Labcorp
Classification: Likely benign for Hereditary diffuse gastric adenocarcinoma. Last evaluated: 2025-09-17. Review status: criteria provided, single submitter. Criteria: Invitae Variant Classification Sherloc (09022015). Collection method: clinical testing. Allele origin: germline.

Myriad Genetics, Inc.
Classification: Benign for Hereditary diffuse gastric adenocarcinoma. Last evaluated: 2024-09-12. Review status: criteria provided, single submitter. Criteria: Myriad Autosomal Dominant, Autosomal Recessive and X-Linked Classification Criteria (2023). Collection method: clinical testing. Allele origin: unknown.
Comment: This variant is considered benign. This variant is a silent/synonymous amino acid change and it is not expected to impact splicing.

NM_004360.5(CDH1):c.267A>G (p.Leu89=)

Gene: CDH1 (cadherin 1; plus strand). Cytogenetic location: 16q22.1.
Variant type: single nucleotide variant.
Coding change: c.267A>G on transcript NM_004360.5 (MANE Select); coding-DNA position 267, A replaced by G.
Protein change: p.Leu89=; no amino-acid change (leucine 89 retained).
Molecular consequence: synonymous variant. On other transcripts: 5 prime UTR variant (2).
Genome position (GRCh38, 1-based): chr16:68,801,773, A>G. VCF-style: chr16-68801773-A-G. GRCh37 (hg19) VCF-style: chr16-68835676-A-G.
Other names: c.267A>G, p.Leu89= (NM_001317184.2); c.-1349A>G (NM_001317185.2); c.-1553A>G (NM_001317186.2).
Identifiers: ClinVar variation 3378855 (VCV003378855.2).